The following is an entry in ClinVar:

NM_000059.4(BRCA2):c.4927G>A (p.Val1643Ile)

Gene: BRCA2 (BRCA2 DNA repair associated; plus strand). Cytogenetic location: 13q13.1.
Variant type: single nucleotide variant.
Coding change: c.4927G>A on transcript NM_000059.4 (MANE Select); coding-DNA position 4927, G replaced by A.
Protein change: p.Val1643Ile; replaces valine 1643 with isoleucine.
Molecular consequence: missense variant.
Genome position (GRCh38, 1-based): chr13:32,339,282, G>A. VCF-style: chr13-32339282-G-A. GRCh37 (hg19) VCF-style: chr13-32913419-G-A.
Other names: short protein forms V1643I.
Identifiers: ClinVar variation 246259 (VCV000246259.21), dbSNP rs879254182, ClinGen allele CA10584447.

ClinVar aggregate classification (germline): Conflicting classifications of pathogenicity. Review status: criteria provided, conflicting classifications (1 of 4 stars). 8 submissions from 8 submitters: Uncertain significance (5); Likely benign (3). Last evaluated 2025-04-25.

Conditions:
Hereditary cancer-predisposing syndrome. Also called: Tumor predisposition; Hereditary neoplastic syndrome; Hereditary Cancer Syndrome; Neoplastic Syndromes, Hereditary. Identifiers: Orphanet 140162, MedGen C0027672, MeSH D009386, MONDO:0015356.
Hereditary breast ovarian cancer syndrome. Also called: Hereditary breast and ovarian cancer; Hereditary breast and/or ovarian cancer syndrome; Hereditary breast and ovarian cancer syndrome; Hereditary breast and ovarian cancer syndrome (HBOC); BRCA1- and BRCA2-Associated Hereditary Breast and Ovarian Cancer; Breast and ovarian cancer. Identifiers: Orphanet 145, MedGen C0677776, MeSH D061325, MONDO:0003582. Disease mechanism: loss of function.
BRCA2-related cancer predisposition. Identifiers: MedGen CN377758, MONDO:0700269.

Allele frequency attached by ClinVar (database versions not stated): gnomAD 0.00001; TOPMed 0.00001.
gnomAD v4.1: 5 of 1,607,332 alleles (0.00031%); highest among the groups gnomAD compares: Admixed American, 0.0017%; no homozygotes.

Submissions (8):

Women's Health and Genetics/Laboratory Corporation of America, LabCorp
Classification: Uncertain significance. Last evaluated: 2025-04-25. Review status: criteria provided, single submitter. Criteria: LabCorp Variant Classification Summary - May 2015. Collection method: clinical testing. Allele origin: germline.
Comment: Variant summary: BRCA2 c.4927G>A (p.Val1643Ile) results in a conservative amino acid change in the encoded protein sequence. Five of five in-silico tools predict a benign effect of the variant on protein function. The variant allele was found at a frequency of 1.2e-05 in 255371 control chromosomes. The available data on variant occurrences in the general population are insufficient to allow any conclusion about variant significance. c.4927G>A has been observed in individual(s) affected with Breast Cancer (Capanu_2011, Borg_2010), as well as healthy controls (Momozawa_2018). These report(s) do not provide unequivocal conclusions about association of the variant with Hereditary Breast And Ovarian Cancer Syndrome. To our knowledge, no experimental evidence demonstrating an impact on protein function has been reported. The following publications have been ascertained in the context of this evaluation (PMID: 20104584, 21520273, 30287823). ClinVar contains an entry for this variant (Variation ID: 246259). Based on the evidence outlined above, the variant was classified as uncertain significance.

Catlab - Consorci Sanitari de Terrassa
Classification: Uncertain significance for Hereditary cancer-predisposing syndrome. Last evaluated: 2025-04-08. Review status: criteria provided, single submitter. Criteria: ClinGen BRCA1BRCA2 ACMG Specifications BRCA2 V1.2.0. Collection method: clinical testing. Allele origin: germline.
Comment: Based on the currently available information, this variant is classified as Uncertain Significance according to ClinGen-BRCA2 v1.2.0 guidelines. ACMG criteria: BP1_strong.

Labcorp Genetics (formerly Invitae), Labcorp
Classification: Uncertain significance for Hereditary breast ovarian cancer syndrome. Last evaluated: 2025-01-08. Review status: criteria provided, single submitter. Criteria: Invitae Variant Classification Sherloc (09022015). Collection method: clinical testing. Allele origin: germline.
Comment: This sequence change replaces valine, which is neutral and non-polar, with isoleucine, which is neutral and non-polar, at codon 1643 of the BRCA2 protein (p.Val1643Ile). This variant is present in population databases (no rsID available, gnomAD 0.005%). This missense change has been observed in individual(s) with breast cancer (PMID: 21520273). ClinVar contains an entry for this variant (Variation ID: 246259). Invitae Evidence Modeling of protein sequence and biophysical properties (such as structural, functional, and spatial information, amino acid conservation, physicochemical variation, residue mobility, and thermodynamic stability) indicates that this missense variant is not expected to disrupt BRCA2 protein function with a negative predictive value of 95%. In summary, the available evidence is currently insufficient to determine the role of this variant in disease. Therefore, it has been classified as a Variant of Uncertain Significance.

All of Us Research Program, National Institutes of Health
Classification: Uncertain significance for BRCA2-related cancer predisposition. Last evaluated: 2024-03-24. Review status: criteria provided, single submitter. Criteria: ACMG Guidelines, 2015. Collection method: clinical testing. Allele origin: germline. Inheritance: Autosomal dominant inheritance. Observed: 2 variant alleles, 2 heterozygotes.
Comment: This missense variant replaces valine with isoleucine at codon 1643 of the BRCA2 protein. Computational prediction suggests that this variant may not impact protein structure and function (internally defined REVEL score threshold <= 0.5, PMID: 27666373). To our knowledge, functional studies have not been reported for this variant. This variant been reported in an individual affected with breast cancer (PMID: 20104584). This variant has also been detected in breast and pancreatic cancer case-control studies in which disease association could not be established (PMID: 30287823, 32980694, 33471991; Leiden Open Variation Database DB-ID BRCA2_002504)This variant has been identified in 2/244130 chromosomes in the general population by the Genome Aggregation Database (gnomAD). The available evidence is insufficient to determine the role of this variant in disease conclusively. Therefore, this variant is classified as a Variant of Uncertain Significance.

This study involves interpretation of variants in research participants for the purpose of population health screening. Participant phenotype was not available at the time of variant classification. Additional details can be found in publication PMID: 35346344, PMCID: PMC8962531

University of Washington Department of Laboratory Medicine, University of Washington
Classification: Likely benign for Hereditary cancer-predisposing syndrome. Last evaluated: 2023-03-23. Review status: criteria provided, single submitter. Criteria: Dines et al. (Genet Med. 2020). Collection method: curation. Allele origin: germline.
Comment: Missense variant in a coldspot region where missense variants are very unlikely to be pathogenic (PMID:31911673).

BRCA2 exon 11 coldspot. Reclassification based on statistical prior probability.

Sema4
Classification: Uncertain significance for Hereditary cancer-predisposing syndrome. Last evaluated: 2022-02-09. Review status: criteria provided, single submitter. Criteria: Sema4 Curation Guidelines. Collection method: curation. Allele origin: germline.
Comment: The BRCA2 c.4927G>A (p.V1643I) variant has been reported in heterozygosity in at least 1 individual with breast cancer (PMID: 21520273). It has been reported in two large case-control studies of breast cancer in 1/60466 cases and in 1/53461 controls (PMID: 33471991), and in 0/7051 cases and 1/11241 controls (PMID: 30287823). It is also known as c.5155G>A in the literature. This variant was observed in 1/21470 chromosomes in the European (non-Finnish) population, according to the Genome Aggregation Database (PMID: 32461654). This variant has been reported in ClinVar (Variation ID: 246259). Functional studies have not been performed, and in silico predictions of the variant's effect on protein function are inconclusive. The evidence is insufficient to meet ACMG/AMP criteria for classifying the variant as benign or pathogenic. Thus, the clinical significance of this variant is currently uncertain.

Ambry Genetics
Classification: Likely benign for Hereditary cancer-predisposing syndrome. Last evaluated: 2018-09-21. Review status: criteria provided, single submitter. Criteria: Ambry Variant Classification Scheme 2023. Collection method: clinical testing. Allele origin: germline.

GeneDx
Classification: Likely benign. Last evaluated: 2017-08-28. Review status: criteria provided, single submitter. Criteria: GeneDx Variant Classification (06012015). Collection method: clinical testing. Allele origin: germline. Affected: yes.
Comment: This variant is considered likely benign or benign based on one or more of the following criteria: it is a conservative change, it occurs at a poorly conserved position in the protein, it is predicted to be benign by multiple in silico algorithms, and/or has population frequency not consistent with disease.

Literature cited by the submitters: PubMed 20104584 (cited by 3 submitters); PubMed 21520273 (cited by 3 submitters); PubMed 30287823 (cited by 3 submitters); PubMed 32980694 (cited by All of Us Research Program, National Institutes of Health); PubMed 33471991 (cited by All of Us Research Program, National Institutes of Health and Sema4).